The following is an entry in ClinVar:

ClinVar aggregate classification (germline): Likely benign. Review status: criteria provided, multiple submitters, no conflicts (2 of 4 stars). 2 submissions from 2 submitters: Likely benign (2). Last evaluated 2024-08-31.

Allele frequency attached by ClinVar (database versions not stated): 1000 Genomes Project 30x 0.00016; 1000 Genomes Project 0.00020; ExAC 0.00051; gnomAD 0.00074; TOPMed 0.00078; ESP Exome Variant Server 0.00100; gnomAD exomes 0.00127.
gnomAD v4.1: 1,995 of 1,613,260 alleles (0.12%); highest among the groups gnomAD compares: Non-Finnish European, 0.15%; 4 homozygotes.

Submissions (2):

Labcorp Genetics (formerly Invitae), Labcorp
Classification: Likely benign. Last evaluated: 2024-08-31. Review status: criteria provided, single submitter. Criteria: Invitae Variant Classification Sherloc (09022015). Collection method: clinical testing. Allele origin: germline.

CeGaT Center for Human Genetics Tuebingen
Classification: Likely benign. Last evaluated: 2022-10-01. Review status: criteria provided, single submitter. Criteria: CeGaT Center For Human Genetics Tuebingen Variant Classification Criteria Version 2. Collection method: clinical testing. Allele origin: germline. Affected: yes. Observed: 1 variant allele.
Comment: TNK2: BP4, BP7

NM_001382273.1(TNK2):c.852C>T (p.Tyr284=)

Gene: TNK2 (tyrosine kinase non receptor 2; minus strand). Cytogenetic location: 3q29.
Variant type: single nucleotide variant.
Coding change: c.852C>T on transcript NM_001382273.1 (MANE Select); coding-DNA position 852, C replaced by T.
Protein change: p.Tyr284=; no amino-acid change (tyrosine 284 retained).
Molecular consequence: synonymous variant. On other transcripts: non-coding transcript variant (10).
Genome position (GRCh38, 1-based): chr3:195,882,086, G>A on the plus strand (C>T on the coding strand, the complement: TNK2 is on the minus strand). VCF-style: chr3-195882086-G-A. GRCh37 (hg19) VCF-style: chr3-195608957-G-A.
Other names: c.852C>T, p.Tyr284= (NM_001387720.1, NM_001387721.1, NM_005781.5 and 12 more transcripts); c.924C>T, p.Tyr308= (NM_001010938.2, NM_001382272.1, NM_001387708.1 and 1 more transcripts); c.948C>T, p.Tyr316= (NM_001308046.2, NM_001382271.1, NM_001382275.1 and 1 more transcripts).
Identifiers: ClinVar variation 2654505 (VCV002654505.26), dbSNP rs146324948, ClinGen allele CA2776696.